The following is an entry in ClinVar:

NM_001289080.2(CNTN6):c.2942G>C (p.Gly981Ala)

Gene: CNTN6 (contactin 6; plus strand). Cytogenetic location: 3p26.3.
Variant type: single nucleotide variant.
Coding change: c.2942G>C on transcript NM_001289080.2 (MANE Select); coding-DNA position 2942, G replaced by C.
Protein change: p.Gly981Ala; replaces glycine 981 with alanine.
Molecular consequence: missense variant.
Genome position (GRCh38, 1-based): chr3:1,402,442, G>C. VCF-style: chr3-1402442-G-C. GRCh37 (hg19) VCF-style: chr3-1444126-G-C.
Other names: c.2726G>C, p.Gly909Ala (NM_001289081.2); c.2942G>C, p.Gly981Ala (NM_001349350.2, NM_001349351.2, NM_001349352.2 and 4 more transcripts); c.2834G>C, p.Gly945Ala (NM_001349356.2); c.2630G>C, p.Gly877Ala (NM_001349357.2); c.2387G>C, p.Gly796Ala (NM_001349358.2); c.1820G>C, p.Gly607Ala (NM_001349359.2, NM_001349360.2, NM_001349361.2 and 1 more transcripts); short protein forms G607A, G796A, G877A, G909A, G945A, G981A.
Identifiers: ClinVar variation 2633189 (VCV002633189.1), dbSNP rs1443908733, ClinGen allele CA351438511.

ClinVar aggregate classification (germline): Uncertain significance (1 of 4 stars; one submission).

Conditions:
CNTN6-related disorder. Also called: CNTN6-related condition.

Submission:

PreventionGenetics, part of Exact Sciences
Classification: Uncertain significance for CNTN6-related condition. Last evaluated: 2023-05-18. Review status: criteria provided, single submitter. Criteria: ACMG Guidelines, 2015. Collection method: clinical testing. Allele origin: germline.
Comment: The CNTN6 c.2942G>C variant is predicted to result in the amino acid substitution p.Gly981Ala. To our knowledge, this variant has not been reported in the literature or in a large population database, indicating this variant is rare. At this time, the clinical significance of this variant is uncertain due to the absence of conclusive functional and genetic evidence.